The following is an entry in ClinVar:

ClinVar aggregate classification (germline): Benign/Likely benign. Review status: criteria provided, multiple submitters, no conflicts (2 of 4 stars). 4 submissions from 4 submitters: Benign (1); Likely benign (2). 1 of the submissions does not count toward it. Last evaluated 2024-04-01.

Conditions:
Inborn genetic diseases. Identifiers: MedGen C0950123, MeSH D030342.
Autism (AUTS). Also called: Autistic disorder of childhood onset; Autistic disorder. Identifiers: MedGen C0004352, MeSH D001321, MONDO:0005260, OMIM 209850, HP:0000717.

Allele frequency attached by ClinVar (database versions not stated): gnomAD 0.00050 and 0.00047; ExAC 0.00072; ESP Exome Variant Server 0.00041; gnomAD exomes 0.00041; TOPMed 0.00046.

Submissions (4):

CeGaT Center for Human Genetics Tuebingen
Classification: Likely benign. Last evaluated: 2024-04-01. Review status: criteria provided, single submitter. Criteria: CeGaT Center For Human Genetics Tuebingen Variant Classification Criteria Version 2. Collection method: clinical testing. Allele origin: germline. Affected: yes. Observed: 4 variant alleles.
Comment: SHANK3: BP4, BS2

GeneDx
Classification: Benign. Last evaluated: 2019-12-04. Review status: criteria provided, single submitter. Criteria: GeneDx Variant Classification Process June 2021. Collection method: clinical testing. Allele origin: germline. Affected: yes.

Ambry Genetics
Classification: Likely benign for Inborn genetic diseases. Last evaluated: 2017-10-27. Review status: criteria provided, single submitter. Criteria: Ambry Variant Classification Scheme 2023. Collection method: clinical testing. Allele origin: germline.

Genetics Laboratory, Facudade de Medicina de Sao Jose do Rio Preto
Classification: Uncertain significance for Autism. Last evaluated: 2016-01-01. Review status: no assertion criteria provided. Collection method: research. Allele origin: unknown. Affected: yes. Observed: 1 variant allele. Not counted in ClinVar's aggregate classification.

NM_001372044.2(SHANK3):c.4038C>T (p.Gly1346=)

Gene: SHANK3 (SH3 and multiple ankyrin repeat domains 3; plus strand). Cytogenetic location: 22q13.33.
Variant type: single nucleotide variant.
Coding change: c.4038C>T on transcript NM_001372044.2 (MANE Select); coding-DNA position 4038, C replaced by T.
Protein change: p.Gly1346=; no amino-acid change (glycine 1346 retained).
Molecular consequence: synonymous variant.
Genome position (GRCh38, 1-based): chr22:50,721,646, C>T. VCF-style: chr22-50721646-C-T. GRCh37 (hg19) VCF-style: chr22-51160074-C-T.
Other names: c.3813C>T, p.Gly1271= (NM_033517.1).
Identifiers: ClinVar variation 437882 (VCV000437882.31), dbSNP rs367676023, ClinGen allele CA10326151.